The following is an entry in ClinVar:

ClinVar aggregate classification (germline): Benign (1 of 4 stars; one submission).

Submission:

Women's Health and Genetics/Laboratory Corporation of America, LabCorp
Classification: Benign. Last evaluated: 2024-04-03. Review status: criteria provided, single submitter. Criteria: LabCorp Variant Classification Summary - May 2015. Collection method: clinical testing. Allele origin: germline.
Comment: Variant summary: The variant involves the duplication of exons 1-6 in the PRPH gene. A presumed nomenclature of c.(?_-55)_(1217+1_1218-1)dup has been designated for the purposes of this classification. The exact breakpoint at the 5' end of this variant is unknown, therefore this duplication may extend upstream of the annotated region of this gene. It is assumed to be a tandem duplication in direct orientation (PMIDs: 25640679, 30054569). It is predicted to duplicate a segment including the initiation codon, therefore its impact on the encoded protein is unknown. A large duplication, corresponding to exons 1-6 of the PRPH gene was found at a frequency of 0.0027 in 21688 control chromosomes in the gnomAD database, including 2 homozygotes in the gnomAD database (Structural Variants v2.1 dataset). In addition, similar duplications including the initiation codon together with a large upstream DNA region have also been aggregated in the DGV Gold Standard Variants dataset at a frequency of 0.0043 (gssvG8573), suggesting that similar variants are benign. To our knowledge, no occurrence of c.(?_-55)_(1217+1_1218-1)dup in individuals affected with Amyotrophic Lateral Sclerosis Type 1 and no experimental evidence demonstrating its impact on protein function have been reported. No submitters have cited clinical-significance assessments for this variant to ClinVar. Based on the evidence outlined above, the variant was classified as benign.

NC_000012.11:g.(?_49688929)_(49691361_49691459)dup

Gene: PRPH (peripherin; plus strand). Cytogenetic location: 12q13.12.
Variant type: Duplication.
Identifiers: ClinVar variation 3251556 (VCV003251556.1).